The following is an entry in ClinVar:

NM_001846.4(COL4A2):c.4126C>G (p.Pro1376Ala)

Genes: COL4A2 (collagen type IV alpha 2 chain; plus strand), COL4A2-AS1 (COL4A2 antisense RNA 1; minus strand). Cytogenetic location: 13q34.
Variant type: single nucleotide variant.
Coding change: c.4126C>G on transcript NM_001846.4 (MANE Select); coding-DNA position 4126, C replaced by G.
Protein change: p.Pro1376Ala; replaces proline 1376 with alanine.
Molecular consequence: missense variant.
Genome position (GRCh38, 1-based): chr13:110,503,469, C>G. VCF-style: chr13-110503469-C-G. GRCh37 (hg19) VCF-style: chr13-111155816-C-G.
Other names: short protein forms P1376A.
Identifiers: ClinVar variation 1966864 (VCV001966864.5), dbSNP rs2502205377, ClinGen allele CA388737230.
Genomic context (GRCh38, chr13:110,503,469, plus strand): 5'-GGGAACACTGGACCCACTGGGGCGGTGGGCGACAGAGGCCCCAAGGGACCCAAGGGAGAC[C>G]CAGGATTCCCTGGTAAGTGACCGTCTGGTATCTTCAGAGCTAGTGGCTCAGCCCAGCCTC-3'
Protein context (NP_001837.2, residues 1366-1386): DRGPKGPKGD[Pro1376Ala]GFPGAPGTVG

ClinVar aggregate classification (germline): Uncertain significance (1 of 4 stars; one submission).

gnomAD v4.1: 1 of 1,560,092 alleles (0.000064%); highest among the groups gnomAD compares: Non-Finnish European, 0.000087%; no homozygotes.

Submission:

Labcorp Genetics (formerly Invitae), Labcorp
Classification: Uncertain significance. Last evaluated: 2024-12-09. Review status: criteria provided, single submitter. Criteria: Invitae Variant Classification Sherloc (09022015). Collection method: clinical testing. Allele origin: germline.
Comment: This sequence change replaces proline, which is neutral and non-polar, with alanine, which is neutral and non-polar, at codon 1376 of the COL4A2 protein (p.Pro1376Ala). This variant is not present in population databases (gnomAD no frequency). This variant has not been reported in the literature in individuals affected with COL4A2-related conditions. ClinVar contains an entry for this variant (Variation ID: 1966864). Invitae Evidence Modeling of protein sequence and biophysical properties (such as structural, functional, and spatial information, amino acid conservation, physicochemical variation, residue mobility, and thermodynamic stability) indicates that this missense variant is not expected to disrupt COL4A2 protein function with a negative predictive value of 95%. In summary, the available evidence is currently insufficient to determine the role of this variant in disease. Therefore, it has been classified as a Variant of Uncertain Significance.